The following is an entry in ClinVar:

ClinVar aggregate classification (germline): Conflicting classifications of pathogenicity. Review status: criteria provided, conflicting classifications (1 of 4 stars). 2 submissions from 2 submitters: Uncertain significance (1); Likely benign (1). Last evaluated 2018-01-31.

Conditions:
Mitochondrial complex I deficiency, nuclear type 1. Also called: NADH-COENZYME Q REDUCTASE DEFICIENCY; MITOCHONDRIAL NADH DEHYDROGENASE COMPONENT OF COMPLEX I, DEFICIENCY OF. Identifiers: MedGen C6022305, MONDO:0100224, OMIM 252010.

Allele frequency attached by ClinVar (database versions not stated): TOPMed 0.00004; gnomAD exomes 0.00005 and 0.00004; ExAC 0.00002; gnomAD 0.00004; ESP Exome Variant Server 0.00008.
gnomAD v4.1: 76 of 1,611,622 alleles (0.0047%); highest among the groups gnomAD compares: African/African-American, 0.0067%; no homozygotes.

Submissions (2):

GeneDx
Classification: Likely benign. Last evaluated: 2018-01-31. Review status: criteria provided, single submitter. Criteria: GeneDx Variant Classification (06012015). Collection method: clinical testing. Allele origin: germline. Affected: yes.
Comment: This variant is considered likely benign or benign based on one or more of the following criteria: it is a conservative change, it occurs at a poorly conserved position in the protein, it is predicted to be benign by multiple in silico algorithms, and/or has population frequency not consistent with disease.

Illumina Laboratory Services, Illumina
Classification: Uncertain significance for Mitochondrial complex I deficiency, nuclear type 1. Last evaluated: 2018-01-13. Review status: criteria provided, single submitter. Criteria: ICSL Variant Classification Criteria 13 December 2019. Collection method: clinical testing. Allele origin: germline.

NM_014165.4(NDUFAF4):c.270G>A (p.Pro90=)

Gene: NDUFAF4 (NADH:ubiquinone oxidoreductase complex assembly factor 4; minus strand). Cytogenetic location: 6q16.1.
Variant type: single nucleotide variant.
Coding change: c.270G>A on transcript NM_014165.4 (MANE Select); coding-DNA position 270, G replaced by A.
Protein change: p.Pro90=; no amino-acid change (proline 90 retained).
Molecular consequence: synonymous variant.
Genome position (GRCh38, 1-based): chr6:96,891,362, C>T on the plus strand (G>A on the coding strand, the complement: NDUFAF4 is on the minus strand). VCF-style: chr6-96891362-C-T. GRCh37 (hg19) VCF-style: chr6-97339238-C-T.
Identifiers: ClinVar variation 516942 (VCV000516942.5), dbSNP rs372832376, ClinGen allele CA3931408.